The following is an entry in ClinVar:

NM_181426.2(CCDC39):c.2391_2392del (p.Arg798fs)

Genes: CCDC39 (coiled-coil domain 39 molecular ruler complex subunit; minus strand), TTC14 (tetratricopeptide repeat domain 14; plus strand). Cytogenetic location: 3q26.33.
Variant type: Deletion.
Coding change: c.2391_2392del on transcript NM_181426.2 (MANE Select); coding-DNA positions 2391 to 2392, 2 bases deleted (AA; older notation c.2391_2392delAA).
Protein change: p.Arg798fs; shifts the reading frame from arginine 798.
Molecular consequence: frameshift variant. On other transcripts: intron variant (1).
Genome position (GRCh38, 1-based): chr3:180,616,840-180,616,841, TT deleted on the plus strand (AA on the coding strand, the reverse complement: CCDC39 is on the minus strand); deleting any 2 consecutive bases within chr3:180,616,840-180,616,842 gives the same sequence; the c. name uses the placement nearest the transcript's 3' end. VCF-style (leftmost placement, unchanged base first): chr3-180616839-CTT-C. GRCh37 (hg19) VCF-style: chr3-180334627-CTT-C.
Other names: c.1775-539_1775-538del (NM_001288582.2); short protein forms R798fs.
Identifiers: ClinVar variation 2726281 (VCV002726281.3), dbSNP rs2473777874, ClinGen allele CA2577966811.

ClinVar aggregate classification (germline): Pathogenic (1 of 4 stars; one submission).

Conditions:
Primary ciliary dyskinesia. Also called: Ciliary dyskinesia. Identifiers: Orphanet 244, MedGen C0008780, MONDO:0016575, HP:0012265.

Submission:

Labcorp Genetics (formerly Invitae), Labcorp
Classification: Pathogenic for Primary ciliary dyskinesia. Last evaluated: 2023-03-27. Review status: criteria provided, single submitter. Criteria: Invitae Variant Classification Sherloc (09022015). Collection method: clinical testing. Allele origin: germline.
Comment: This variant has not been reported in the literature in individuals affected with CCDC39-related conditions. This sequence change creates a premature translational stop signal (p.Arg798Serfs*21) in the CCDC39 gene. It is expected to result in an absent or disrupted protein product. Loss-of-function variants in CCDC39 are known to be pathogenic (PMID: 21131972, 23255504). This variant is not present in population databases (gnomAD no frequency). For these reasons, this variant has been classified as Pathogenic.

Literature cited by the submitters: PubMed 21131972; PubMed 23255504.